The following is an entry in ClinVar:

ClinVar aggregate classification (germline): Uncertain significance (1 of 4 stars; one submission).

Conditions:
Otospondylomegaepiphyseal dysplasia, autosomal recessive (OSMEDB). Also called: CHONDRODYSTROPHY WITH SENSORINEURAL DEAFNESS; Insley-Astley syndrome. Identifiers: Orphanet 1427, MedGen CN034493, MONDO:0044206, OMIM 215150.

Allele frequency attached by ClinVar (database versions not stated): gnomAD exomes below 0.00001.
gnomAD v4.1: 1 of 1,612,398 alleles (0.000062%); highest among the groups gnomAD compares: South Asian, 0.0011%; no homozygotes.

Submission:

Neuberg Centre For Genomic Medicine, NCGM
Classification: Uncertain significance for Otospondylomegaepiphyseal dysplasia, autosomal recessive. Review status: criteria provided, single submitter. Criteria: ACMG Guidelines, 2015. Collection method: clinical testing. Allele origin: germline. Inheritance: Autosomal recessive inheritance. Affected: yes.
Comment: The missense c.3509C>G (p.Thr1170Arg) variant in COL11A2 gene has not been reported previously as a pathogenic variant nor as a benign variant, to our knowledge. The variant is novel (not in any individuals) in gnomAD Exomes and 1000 Genomes. The amino acid Thr at position 1170 is changed to a Arg changing protein sequence and it might alter its composition and physico-chemical properties. The amino acid change p.Thr1170Arg in COL11A2 is predicted as conserved by GERP++ and PhyloP across 100 vertebrates. For these reasons, this variant has been classified as Uncertain Significance.

NM_080680.3(COL11A2):c.3509C>G (p.Thr1170Arg)

Gene: COL11A2 (collagen type XI alpha 2 chain; minus strand). Cytogenetic location: 6p21.32.
Variant type: single nucleotide variant.
Coding change: c.3509C>G on transcript NM_080680.3 (MANE Select); coding-DNA position 3509, C replaced by G.
Protein change: p.Thr1170Arg; replaces threonine 1170 with arginine.
Molecular consequence: missense variant.
Genome position (GRCh38, 1-based): chr6:33,170,576, G>C on the plus strand (C>G on the coding strand, the complement: COL11A2 is on the minus strand). VCF-style: chr6-33170576-G-C. GRCh37 (hg19) VCF-style: chr6-33138353-G-C.
Other names: c.3329C>G, p.Thr1110Arg (NM_001424108.1); c.2663C>G, p.Thr888Arg (NM_001424109.1); c.2483C>G, p.Thr828Arg (NM_001424110.1, NM_001424111.1); c.1463C>G, p.Thr488Arg (NM_001424112.1); c.3188C>G, p.Thr1063Arg (NM_080679.3); c.3251C>G, p.Thr1084Arg (NM_080681.3); short protein forms T1084R, T1110R, T828R, T1063R, T1170R, T488R, T888R.
Identifiers: ClinVar variation 2585126 (VCV002585126.1), dbSNP rs2534782677, ClinGen allele CA363630391.